The following is an entry in ClinVar:

NM_002016.2(FLG):c.2181C>A (p.His727Gln)

Genes: CCDST (cervical cancer associated DHX9 suppressive transcript; plus strand), FLG (filaggrin; minus strand). Cytogenetic location: 1q21.3.
Variant type: single nucleotide variant.
Coding change: c.2181C>A on transcript NM_002016.2 (MANE Select); coding-DNA position 2181, C replaced by A.
Protein change: p.His727Gln; replaces histidine 727 with glutamine.
Molecular consequence: missense variant.
Genome position (GRCh38, 1-based): chr1:152,312,705, G>T on the plus strand (C>A on the coding strand, the complement: FLG is on the minus strand). VCF-style: chr1-152312705-G-T. GRCh37 (hg19) VCF-style: chr1-152285181-G-T.
Other names: short protein forms H727Q.
Identifiers: ClinVar variation 3056975 (VCV003056975.2), dbSNP rs7512779, ClinGen allele CA1107300.

ClinVar aggregate classification (germline): Benign (0 of 4 stars; one submission).

Conditions:
FLG-related disorder. Also called: FLG-related disorders; FLG-related condition.

Allele frequency attached by ClinVar (database versions not stated): ESP Exome Variant Server 0.01768; 1000 Genomes Project 0.02496; 1000 Genomes Project 30x 0.02561.
gnomAD v4.1: 38,752 of 1,613,956 alleles (2.4%); highest among the groups gnomAD compares: South Asian, 5.5%; 702 homozygotes.

Submission:

PreventionGenetics, part of Exact Sciences
Classification: Benign for FLG-related condition. Last evaluated: 2023-12-13. Review status: no assertion criteria provided. Collection method: clinical testing. Allele origin: germline.
Comment: This variant is classified as benign based on ACMG/AMP sequence variant interpretation guidelines (Richards et al. 2015 PMID: 25741868, with internal and published modifications).